The following is an entry in ClinVar:

NM_000081.4(LYST):c.5549A>G (p.His1850Arg)

Gene: LYST (lysosomal trafficking regulator; minus strand). Cytogenetic location: 1q42.3.
Variant type: single nucleotide variant.
Coding change: c.5549A>G on transcript NM_000081.4 (MANE Select); coding-DNA position 5549, A replaced by G.
Protein change: p.His1850Arg; replaces histidine 1850 with arginine.
Molecular consequence: missense variant.
Genome position (GRCh38, 1-based): chr1:235,774,998, T>C on the plus strand (A>G on the coding strand, the complement: LYST is on the minus strand). VCF-style: chr1-235774998-T-C. GRCh37 (hg19) VCF-style: chr1-235938298-T-C.
Other names: c.5549A>G (NM_000081.2); c.5549A>G, p.His1850Arg (NM_001301365.1); short protein forms H1850R.
Identifiers: ClinVar variation 658559 (VCV000658559.7), dbSNP rs185099858, ClinGen allele CA1466598.

ClinVar aggregate classification (germline): Uncertain significance. Review status: criteria provided, multiple submitters, no conflicts (2 of 4 stars). 2 submissions from 2 submitters: Uncertain significance (2). Last evaluated 2024-11-25.

Conditions:
Inborn genetic diseases. Identifiers: MedGen C0950123, MeSH D030342.
Chédiak-Higashi syndrome (CHS). Also called: Chediak-Higashi Syndrome. Identifiers: Orphanet 167, MedGen C0007965, MONDO:0008963, OMIM 214500.

Allele frequency attached by ClinVar (database versions not stated): gnomAD 0.00001; TOPMed 0.00002; ESP Exome Variant Server 0.00008; 1000 Genomes Project 30x 0.00016; 1000 Genomes Project 0.00020.
gnomAD v4.1: 128 of 1,609,772 alleles (0.008%); highest among the groups gnomAD compares: Non-Finnish European, 0.011%; no homozygotes.

Submissions (2):

Ambry Genetics
Classification: Uncertain significance for Inborn genetic diseases. Last evaluated: 2024-11-25. Review status: criteria provided, single submitter. Criteria: Ambry Variant Classification Scheme 2023. Collection method: clinical testing. Allele origin: germline.

Labcorp Genetics (formerly Invitae), Labcorp
Classification: Uncertain significance for Chédiak-Higashi syndrome. Last evaluated: 2022-08-16. Review status: criteria provided, single submitter. Criteria: Invitae Variant Classification Sherloc (09022015). Collection method: clinical testing. Allele origin: germline.
Comment: This sequence change replaces histidine, which is basic and polar, with arginine, which is basic and polar, at codon 1850 of the LYST protein (p.His1850Arg). This variant is present in population databases (rs185099858, gnomAD 0.005%). This variant has not been reported in the literature in individuals affected with LYST-related conditions. ClinVar contains an entry for this variant (Variation ID: 658559). Algorithms developed to predict the effect of missense changes on protein structure and function output the following: SIFT: "Tolerated"; PolyPhen-2: "Benign"; Align-GVGD: "Class C0". The arginine amino acid residue is found in multiple mammalian species, which suggests that this missense change does not adversely affect protein function. Algorithms developed to predict the effect of sequence changes on RNA splicing suggest that this variant may create or strengthen a splice site. In summary, the available evidence is currently insufficient to determine the role of this variant in disease. Therefore, it has been classified as a Variant of Uncertain Significance.